The following is an entry in ClinVar:

ClinVar aggregate classification (germline): Uncertain significance (1 of 4 stars; one submission).

Conditions:
Hereditary cancer-predisposing syndrome. Also called: Hereditary neoplastic syndrome; Neoplastic Syndromes, Hereditary; Tumor predisposition; Hereditary Cancer Syndrome. Identifiers: Orphanet 140162, MedGen C0027672, MeSH D009386, MONDO:0015356.

Submission:

Ambry Genetics
Classification: Uncertain significance for Hereditary cancer-predisposing syndrome. Last evaluated: 2025-08-27. Review status: criteria provided, single submitter. Criteria: Ambry Variant Classification Scheme 2023. Collection method: clinical testing. Allele origin: germline.
Comment: The p.E331D variant (also known as c.993G>C), located in coding exon 11 of the MUTYH gene, results from a G to C substitution at nucleotide position 993. The glutamic acid at codon 331 is replaced by aspartic acid, an amino acid with highly similar properties. This amino acid position is conserved. In addition, this alteration is predicted to be tolerated by in silico analysis. Based on the available evidence, the clinical significance of this variant remains unclear.

NM_001048174.2(MUTYH):c.909G>C (p.Glu303Asp)

Gene: MUTYH (mutY DNA glycosylase; minus strand). Cytogenetic location: 1p34.1.
Variant type: single nucleotide variant.
Coding change: c.909G>C on transcript NM_001048174.2 (MANE Select); coding-DNA position 909, G replaced by C.
Protein change: p.Glu303Asp; replaces glutamic acid 303 with aspartic acid.
Molecular consequence: missense variant. On other transcripts: non-coding transcript variant (7).
Genome position (GRCh38, 1-based): chr1:45,332,027, C>G on the plus strand (G>C on the coding strand, the complement: MUTYH is on the minus strand). VCF-style: chr1-45332027-C-G. GRCh37 (hg19) VCF-style: chr1-45797699-C-G.
Other names: c.909G>C, p.Glu303Asp (NM_001048173.2, NM_001293195.2, NM_001407081.1 and 6 more transcripts); c.993G>C, p.Glu331Asp (NM_001128425.2); c.954G>C, p.Glu318Asp (NM_001293190.2); c.942G>C, p.Glu314Asp (NM_001293191.2, NM_001407069.1, NM_001407077.1); c.633G>C, p.Glu211Asp (NM_001293192.2, NM_001293196.2, NM_001407091.1); c.564G>C, p.Glu188Asp (NM_001350650.2, NM_001407082.1, NM_001350651.2); c.870G>C, p.Glu290Asp (NM_001407079.1); c.867G>C, p.Glu289Asp (NM_001407080.1); and 5 more; short protein forms E290D, E303D, E304D, E289D, E314D, E317D, E331D, E188D.
Identifiers: ClinVar variation 4113993 (VCV004113993.1).
Genomic context (GRCh38, chr1:45,332,027, plus strand): 5'-TGGGGCTTCTGACTGGGCCAGGAAGGGTTGGGGTGGGGGCTAGGTTTGGTGCTCACCACA[C>G]TCCTCCACGTCAGGACTGCCCGACAGGCTCCCTGAGGCTAAGAGCTGTTCCTGCTCCACC-3'
Protein context (NP_001041639.1, residues 293-313): GSLSGSPDVE[Glu303Asp]CAPNTGQCHL